The following is an entry in ClinVar:

ClinVar aggregate classification (germline): Uncertain significance. Review status: criteria provided, multiple submitters, no conflicts (2 of 4 stars). 3 submissions from 3 submitters: Uncertain significance (3). Last evaluated 2024-01-10.

Conditions:
Nephrotic syndrome 15. Identifiers: MedGen C4539896, MONDO:0033262, OMIM 617609.

Allele frequency attached by ClinVar (database versions not stated): ExAC 0.00004; gnomAD 0.00004; TOPMed 0.00007; ESP Exome Variant Server 0.00008.

Submissions (3):

Fulgent Genetics
Classification: Uncertain significance for Nephrotic syndrome 15. Last evaluated: 2024-01-10. Review status: criteria provided, single submitter. Criteria: ACMG Guidelines, 2015. Collection method: clinical testing. Allele origin: germline.

Labcorp Genetics (formerly Invitae), Labcorp
Classification: Uncertain significance. Last evaluated: 2022-07-30. Review status: criteria provided, single submitter. Criteria: Invitae Variant Classification Sherloc (09022015). Collection method: clinical testing. Allele origin: germline.
Comment: This variant has not been reported in the literature in individuals affected with MAGI2-related conditions. This sequence change replaces glycine, which is neutral and non-polar, with serine, which is neutral and polar, at codon 580 of the MAGI2 protein (p.Gly580Ser). This variant is present in population databases (rs373777210, gnomAD 0.01%). Algorithms developed to predict the effect of missense changes on protein structure and function output the following: SIFT: "Tolerated"; PolyPhen-2: "Benign"; Align-GVGD: "Class C0". The serine amino acid residue is found in multiple mammalian species, which suggests that this missense change does not adversely affect protein function. In summary, the available evidence is currently insufficient to determine the role of this variant in disease. Therefore, it has been classified as a Variant of Uncertain Significance.

Blueprint Genetics
Classification: Uncertain significance. Last evaluated: 2020-06-10. Review status: criteria provided, single submitter. Criteria: ACMG Guidelines, 2015. Collection method: clinical testing. Allele origin: germline.

NM_012301.4(MAGI2):c.1738G>A (p.Gly580Ser)

Gene: MAGI2 (membrane associated guanylate kinase, WW and PDZ domain containing 2; minus strand). Cytogenetic location: 7q21.11.
Variant type: single nucleotide variant.
Coding change: c.1738G>A on transcript NM_012301.4 (MANE Select); coding-DNA position 1738, G replaced by A.
Protein change: p.Gly580Ser; replaces glycine 580 with serine.
Molecular consequence: missense variant.
Genome position (GRCh38, 1-based): chr7:78,256,252, C>T on the plus strand (G>A on the coding strand, the complement: MAGI2 is on the minus strand). VCF-style: chr7-78256252-C-T. GRCh37 (hg19) VCF-style: chr7-77885569-C-T.
Other names: c.1738G>A, p.Gly580Ser (NM_001301128.2); short protein forms G580S.
Identifiers: ClinVar variation 1910743 (VCV001910743.7), dbSNP rs373777210, ClinGen allele CA4313957.
Genomic context (GRCh38, chr7:78,256,252, plus strand): 5'-GGGTGGCCCCAGATGAAGCCATAGACACATTGTCATCATGGACGGGCGGTGGATACGTGC[C>T]GTCTAGCTGACCATCAGTTGGCATGGAGTGCAGAGAATGAGGCGGCCGATCTGTTATATC-3'
Protein context (NP_036433.2, residues 570-590): HSMPTDGQLD[Gly580Ser]TYPPPVHDDN